The following is an entry in ClinVar:

NM_001042492.3(NF1):c.731-3C>G

Gene: NF1 (neurofibromin 1; plus strand). Cytogenetic location: 17q11.2.
Variant type: single nucleotide variant.
Coding change: c.731-3C>G on transcript NM_001042492.3 (MANE Select); 3 bases into the intron before coding-DNA position 731, C replaced by G.
Molecular consequence: intron variant.
Genome position (GRCh38, 1-based): chr17:31,182,505, C>G. VCF-style: chr17-31182505-C-G. GRCh37 (hg19) VCF-style: chr17-29509523-C-G.
Other names: c.731-3C>G (NM_000267.4, NM_001128147.3).
Identifiers: ClinVar variation 1758272 (VCV001758272.5), dbSNP rs2143784796, ClinGen allele CA2580092856.
Genomic context (GRCh38, chr17:31,182,505, plus strand): 5'-TTACTTTAATGCCAGGGATTTTGTTCCTATCTAATAATGTCATTTAATATATTTTTCATG[C>G]AGAATGTGCAGAAAAGCTATTTGACTTGGTGGATGGTTTTGCTGAAAGCACCAAACGTAA-3'

ClinVar aggregate classification (germline): Uncertain significance. Review status: criteria provided, multiple submitters, no conflicts (2 of 4 stars). 2 submissions from 2 submitters: Uncertain significance (2). Last evaluated 2023-07-04.

Conditions:
Neurofibromatosis, type 1 (NF1). Also called: Peripheral type neurofibromatosis; VON RECKLINGHAUSEN DISEASE; NEUROFIBROMATOSIS, TYPE I, SOMATIC; Neurofibromatosis, type I. Identifiers: Orphanet 636, MedGen C0027831, MONDO:0018975, OMIM 162200. Disease mechanism: loss of function.
Cardiovascular phenotype. Identifiers: MedGen CN230736.
Hereditary cancer-predisposing syndrome. Also called: Neoplastic Syndromes, Hereditary; Tumor predisposition; Hereditary neoplastic syndrome; Hereditary Cancer Syndrome. Identifiers: Orphanet 140162, MedGen C0027672, MeSH D009386, MONDO:0015356.

Submissions (2):

Labcorp Genetics (formerly Invitae), Labcorp
Classification: Uncertain significance for Neurofibromatosis, type 1. Last evaluated: 2023-07-04. Review status: criteria provided, single submitter. Criteria: Invitae Variant Classification Sherloc (09022015). Collection method: clinical testing. Allele origin: germline.
Comment: In summary, the available evidence is currently insufficient to determine the role of this variant in disease. Therefore, it has been classified as a Variant of Uncertain Significance. Variants that disrupt the consensus splice site are a relatively common cause of aberrant splicing (PMID: 17576681, 9536098). Algorithms developed to predict the effect of sequence changes on RNA splicing suggest that this variant may create or strengthen a splice site. ClinVar contains an entry for this variant (Variation ID: 1758272). This variant has not been reported in the literature in individuals affected with NF1-related conditions. This variant is not present in population databases (gnomAD no frequency). This sequence change falls in intron 7 of the NF1 gene. It does not directly change the encoded amino acid sequence of the NF1 protein. It affects a nucleotide within the consensus splice site.

Ambry Genetics
Classification: Uncertain significance for Cardiovascular phenotype; Hereditary cancer-predisposing syndrome. Last evaluated: 2023-03-30. Review status: criteria provided, single submitter. Criteria: Ambry Variant Classification Scheme 2023. Collection method: clinical testing. Allele origin: germline.
Comment: The c.731-3C>G intronic variant results from a C to G substitution 3 nucleotides upstream from coding exon 8 in the NF1 gene. This nucleotide position is poorly conserved in available vertebrate species. In silico splice site analysis predicts that this alteration will result in the creation or strengthening of a novel splice acceptor site; however, direct evidence is insufficient at this time (Ambry internal data). Since supporting evidence is limited at this time, the clinical significance of this alteration remains unclear.

Literature cited by the submitters: PubMed 17576681 (cited by Labcorp Genetics (formerly Invitae), Labcorp); PubMed 9536098 (cited by Labcorp Genetics (formerly Invitae), Labcorp).